The following is an entry in ClinVar:

NM_005902.4(SMAD3):c.780C>G (p.Phe260Leu)

Gene: SMAD3 (SMAD family member 3; plus strand). Cytogenetic location: 15q22.33.
Variant type: single nucleotide variant.
Coding change: c.780C>G on transcript NM_005902.4 (MANE Select); coding-DNA position 780, C replaced by G.
Protein change: p.Phe260Leu; replaces phenylalanine 260 with leucine.
Molecular consequence: missense variant.
Genome position (GRCh38, 1-based): chr15:67,181,362, C>G. VCF-style: chr15-67181362-C-G. GRCh37 (hg19) VCF-style: chr15-67473700-C-G.
Other names: c.465C>G, p.Phe155Leu (NM_001145102.2); c.648C>G, p.Phe216Leu (NM_001145103.2); c.195C>G, p.Phe65Leu (NM_001145104.2); short protein forms F155L, F216L, F260L, F65L.
Identifiers: ClinVar variation 1475642 (VCV001475642.8), dbSNP rs1250669634, ClinGen allele CA392956252.

ClinVar aggregate classification (germline): Likely pathogenic (1 of 4 stars; one submission).

Conditions:
Familial thoracic aortic aneurysm and aortic dissection (TAAD). Also called: Thoracic aortic aneurysms and dissections. Identifiers: Orphanet 91387, MedGen C4707243, MONDO:0019625.

Submission:

Labcorp Genetics (formerly Invitae), Labcorp
Classification: Likely pathogenic for Familial thoracic aortic aneurysm and aortic dissection. Last evaluated: 2021-07-08. Review status: criteria provided, single submitter. Criteria: Invitae Variant Classification Sherloc (09022015). Collection method: clinical testing. Allele origin: germline.
Comment: This variant has been observed in individual(s) with clinical features of SMAD3-related conditions (Invitae). It has also been observed to segregate with disease in related individuals. This variant is not present in population databases (ExAC no frequency). Advanced modeling of protein sequence and biophysical properties (such as structural, functional, and spatial information, amino acid conservation, physicochemical variation, residue mobility, and thermodynamic stability) performed at Invitae indicates that this missense variant is expected to disrupt SMAD3 protein function. In summary, the currently available evidence indicates that the variant is pathogenic, but additional data are needed to prove that conclusively. Therefore, this variant has been classified as Likely Pathogenic. This sequence change replaces phenylalanine with leucine at codon 260 of the SMAD3 protein (p.Phe260Leu). The phenylalanine residue is highly conserved and there is a small physicochemical difference between phenylalanine and leucine.